The following is an entry in ClinVar:

NM_001385012.1(NBEA):c.3895C>G (p.Arg1299Gly)

Gene: NBEA (neurobeachin; plus strand). Cytogenetic location: 13q13.3.
Variant type: single nucleotide variant.
Coding change: c.3895C>G on transcript NM_001385012.1 (MANE Select); coding-DNA position 3895, C replaced by G.
Protein change: p.Arg1299Gly; replaces arginine 1299 with glycine.
Molecular consequence: missense variant.
Genome position (GRCh38, 1-based): chr13:35,161,783, C>G. VCF-style: chr13-35161783-C-G. GRCh37 (hg19) VCF-style: chr13-35735920-C-G.
Other names: c.3895C>G, p.Arg1299Gly (NM_001379245.1, NM_015678.5); short protein forms R1299G.
Identifiers: ClinVar variation 2504533 (VCV002504533.1), dbSNP rs2069582817, ClinGen allele CA387839609.

ClinVar aggregate classification (germline): Uncertain significance (1 of 4 stars; one submission).

Submission:

GeneDx
Classification: Uncertain significance. Last evaluated: 2022-12-04. Review status: criteria provided, single submitter. Criteria: GeneDx Variant Classification Process June 2021. Collection method: clinical testing. Allele origin: germline. Affected: yes.
Comment: Not observed at significant frequency in large population cohorts (gnomAD); In silico analysis supports that this missense variant does not alter protein structure/function; Has not been previously published as pathogenic or benign to our knowledge